The following is an entry in ClinVar:

ClinVar aggregate classification (germline): Uncertain significance (1 of 4 stars; one submission).

Submission:

GeneDx
Classification: Uncertain significance. Last evaluated: 2024-03-25. Review status: criteria provided, single submitter. Criteria: GeneDx Variant Classification Process June 2021. Collection method: clinical testing. Allele origin: germline. Affected: yes.
Comment: Has not been previously published as pathogenic or benign to our knowledge; Not observed at significant frequency in large population cohorts (gnomAD); In silico analysis supports that this missense variant has a deleterious effect on protein structure/function

NM_021096.4(CACNA1I):c.5795C>T (p.Pro1932Leu)

Gene: CACNA1I (calcium voltage-gated channel subunit alpha1 I; plus strand). Cytogenetic location: 22q13.1.
Variant type: single nucleotide variant.
Coding change: c.5795C>T on transcript NM_021096.4 (MANE Select); coding-DNA position 5795, C replaced by T.
Protein change: p.Pro1932Leu; replaces proline 1932 with leucine.
Molecular consequence: missense variant.
Genome position (GRCh38, 1-based): chr22:39,682,626, C>T. VCF-style: chr22-39682626-C-T. GRCh37 (hg19) VCF-style: chr22-40078631-C-T.
Other names: c.5690C>T, p.Pro1897Leu (NM_001003406.2); short protein forms P1897L, P1932L.
Identifiers: ClinVar variation 3371378 (VCV003371378.1).